The following is an entry in ClinVar:

ClinVar aggregate classification (germline): Uncertain significance. Review status: criteria provided, multiple submitters, no conflicts (2 of 4 stars). 2 submissions from 2 submitters: Uncertain significance (2). Last evaluated 2026-07-24.

Conditions:
Cardiovascular phenotype. Identifiers: MedGen CN230736.

Submissions (2):

Ambry Genetics
Classification: Uncertain significance for Cardiovascular phenotype. Last evaluated: 2026-07-24. Review status: criteria provided, single submitter. Criteria: Ambry Variant Classification Scheme 2023. Collection method: clinical testing. Allele origin: germline.
Comment: The c.1923delC variant, located in coding exon 16 of the KCNQ1 gene, results from a deletion of one nucleotide at nucleotide position 1923, causing a translational frameshift with a predicted alternate stop codon (p.C642Afs*24). This variant occurs at the 3' terminus of the gene, is not expected to trigger nonsense-mediated mRNAdecay, and impacts the last 5% of the protein. The exact functional effect of this variant is unknown. Based on the available evidence, the clinical significance of this variant remains unclear.

Laboratory for Molecular Medicine, Mass General Brigham Personalized Medicine
Classification: Uncertain significance. Last evaluated: 2018-08-07. Review status: criteria provided, single submitter. Criteria: LMM Criteria. Collection method: clinical testing. Allele origin: germline. Observed: 1 variant allele.
Comment: Variant classified as Uncertain Significance - Favor Pathogenic. The p.Cys642Ala fsX24 variant has not been previously reported in individuals with long QT syndr ome, Jervell and Lange Nielsen syndrome, or hearing loss. This variant was abse nt from large population databases. This variant is predicted to cause a frames hift, which alters the protein?s amino acid sequence beginning at position 642. This termination codon occurs within the last exon and is more likely to escape nonsense mediated decay (NMD) and result in an altered protein, replacing the te rminal 35 amino acids with 24 novel amino acids. The most 3' predicted LOF varia nt with sufficient evidence for pathogenicity is at Arg632, 10 amino acids upstr eam. In summary, the clinical significance of the p.Cys642AlafsX24 variant of KC NQ1 is uncertain, though the variant is suspicious given the predicted alteratio n. ACMG/AMP criteria applied: PM2, PVS1_Moderate.

NM_000218.3(KCNQ1):c.1923del (p.Cys642fs)

Genes: KCNQ1 (potassium voltage-gated channel subfamily Q member 1; plus strand), KCNQ1-AS1 (KCNQ1 antisense RNA 1; minus strand). Cytogenetic location: 11p15.4.
Variant type: Deletion.
Coding change: c.1923del on transcript NM_000218.3 (MANE Select); coding-DNA position 1923, one base deleted (C; older notation c.1923delC).
Protein change: p.Cys642fs; shifts the reading frame from cysteine 642.
Molecular consequence: frameshift variant.
Genome position (GRCh38, 1-based): chr11:2,847,895, C deleted; the last of 3 consecutive C bases (chr11:2,847,893-2,847,895); deleting any one gives the same sequence. VCF-style (leftmost placement, unchanged base first): chr11-2847892-GC-G. GRCh37 (hg19) VCF-style: chr11-2869122-GC-G.
Other names: c.1827delC, p.Cys610Alafs (NM_001406836.1); c.1653delC, p.Cys552Alafs (NM_001406837.1); c.1383delC, p.Cys462Alafs (NM_001406838.1); c.435delC, p.Cys146Alafs (NM_001406839.1); c.1542delC, p.Cys515Alafs (NM_181798.2); short protein forms C515fs, C642fs.
Identifiers: ClinVar variation 666844 (VCV000666844.7), dbSNP rs1590130358, ClinGen allele CA913187660.